The following is an entry in ClinVar:

NM_004519.4(KCNQ3):c.1286G>A (p.Arg429Gln)

Gene: KCNQ3 (potassium voltage-gated channel subfamily Q member 3; minus strand). Cytogenetic location: 8q24.22.
Variant type: single nucleotide variant.
Coding change: c.1286G>A on transcript NM_004519.4 (MANE Select); coding-DNA position 1286, G replaced by A.
Protein change: p.Arg429Gln; replaces arginine 429 with glutamine.
Molecular consequence: missense variant.
Genome position (GRCh38, 1-based): chr8:132,141,308, C>T on the plus strand (G>A on the coding strand, the complement: KCNQ3 is on the minus strand). VCF-style: chr8-132141308-C-T. GRCh37 (hg19) VCF-style: chr8-133153555-C-T.
Other names: c.926G>A, p.Arg309Gln (NM_001204824.2); short protein forms R309Q, R429Q.
Identifiers: ClinVar variation 2119002 (VCV002119002.4), dbSNP rs2536882623, ClinGen allele CA372220425.

ClinVar aggregate classification (germline): Uncertain significance (1 of 4 stars; one submission).

Conditions:
Benign neonatal seizures. Also called: Convulsions benign familial neonatal dominant form; Autosomal dominant form of benign neonatal seizures; Benign familial neonatal seizures; Benign familial neonatal epilepsy; Benign neonatal familial convulsions. Identifiers: Orphanet 1949, MedGen C0220669, MONDO:0016027.

gnomAD v4.1: 1 of 1,614,086 alleles (0.000062%); no homozygotes.

Submission:

Labcorp Genetics (formerly Invitae), Labcorp
Classification: Uncertain significance for Benign neonatal seizures. Last evaluated: 2025-08-28. Review status: criteria provided, single submitter. Criteria: Invitae Variant Classification Sherloc (09022015). Collection method: clinical testing. Allele origin: germline.
Comment: This sequence change replaces arginine, which is basic and polar, with glutamine, which is neutral and polar, at codon 429 of the KCNQ3 protein (p.Arg429Gln). This variant is not present in population databases (gnomAD no frequency). This variant has not been reported in the literature in individuals affected with KCNQ3-related conditions. ClinVar contains an entry for this variant (Variation ID: 2119002). Invitae Evidence Modeling of protein sequence and biophysical properties (such as structural, functional, and spatial information, amino acid conservation, physicochemical variation, residue mobility, and thermodynamic stability) indicates that this missense variant is not expected to disrupt KCNQ3 protein function with a negative predictive value of 80%. Algorithms developed to predict the effect of sequence changes on RNA splicing suggest that this variant may disrupt the consensus splice site. In summary, the available evidence is currently insufficient to determine the role of this variant in disease. Therefore, it has been classified as a Variant of Uncertain Significance.